The following is an entry in ClinVar:

NM_001256627.2(BRSK2):c.1288-57C>G

Gene: BRSK2 (BR serine/threonine kinase 2; plus strand). Cytogenetic location: 11p15.5.
Variant type: single nucleotide variant.
Coding change: c.1288-57C>G on transcript NM_001256627.2 (MANE Select); 57 bases into the intron before coding-DNA position 1288, C replaced by G.
Molecular consequence: intron variant.
Genome position (GRCh38, 1-based): chr11:1,450,530, C>G. VCF-style: chr11-1450530-C-G. GRCh37 (hg19) VCF-style: chr11-1471760-C-G.
Other names: c.1288-57C>G (NM_001256629.2, NM_003957.4); c.1108-57C>G (NM_001282218.2); c.1426-57C>G (NM_001256630.1).
Identifiers: ClinVar variation 1694584 (VCV001694584.31), dbSNP rs554182984, ClinGen allele CA216134885.

ClinVar aggregate classification (germline): Benign (1 of 4 stars; one submission).

Allele frequency attached by ClinVar (database versions not stated): gnomAD 0.00476 and 0.00484; TOPMed 0.00520; 1000 Genomes Project 0.00619; 1000 Genomes Project 30x 0.00796.
gnomAD v4.1: 1,818 of 870,440 alleles (0.21%); highest among the groups gnomAD compares: African/African-American, 1.7%; 36 homozygotes.

Submission:

CeGaT Center for Human Genetics Tuebingen
Classification: Benign. Last evaluated: 2023-04-01. Review status: criteria provided, single submitter. Criteria: CeGaT Center For Human Genetics Tuebingen Variant Classification Criteria Version 2. Collection method: clinical testing. Allele origin: germline. Affected: yes. Observed: 4 variant alleles.
Comment: BRSK2: BS1, BS2